The following is an entry in ClinVar:

ClinVar aggregate classification (germline): Pathogenic (1 of 4 stars; one submission).

Conditions:
Hereditary cancer-predisposing syndrome. Also called: Neoplastic Syndromes, Hereditary; Hereditary Cancer Syndrome; Tumor predisposition; Hereditary neoplastic syndrome. Identifiers: Orphanet 140162, MedGen C0027672, MeSH D009386, MONDO:0015356.

Submission:

Ambry Genetics
Classification: Pathogenic for Hereditary cancer-predisposing syndrome. Last evaluated: 2016-12-07. Review status: criteria provided, single submitter. Criteria: Ambry Autosomal Dominant and X-Linked criteria (10/2015). Collection method: clinical testing. Allele origin: germline. Observed: 1 variant allele.
Comment: The c.3450delG pathogenic mutation, located in coding exon 21 of the PTCH1 gene, results from a deletion of one nucleotide at nucleotide position 3450, causing a translational frameshift with a predicted alternate stop codon (p.R1150Sfs*41). This alteration is expected to result in loss of function by premature protein truncation or nonsense-mediated mRNA decay. As such, this alteration is interpreted as a disease-causing mutation.

NM_000264.3(PTCH1):c.3450delG

Gene: PTCH1 (patched 1; minus strand). Cytogenetic location: 9q22.32.
Variant type: Deletion.
Coding change: c.3450delG on transcript NM_000264.3; coding-DNA position 3450, one base deleted (G).
Genome position (GRCh38, 1-based): chr9:95,449,940, C deleted on the plus strand (G on the coding strand, the reverse complement: PTCH1 is on the minus strand); the first of 2 consecutive C bases (chr9:95,449,940-95,449,941); deleting either gives the same sequence. VCF-style (leftmost placement, unchanged base first): chr9-95449939-AC-A. GRCh37 (hg19) VCF-style: chr9-98212221-AC-A.
Identifiers: ClinVar variation 428856 (VCV000428856.5), dbSNP rs1131691001, ClinGen allele CA645369408.